The following is an entry in ClinVar:

NM_018392.5(ZGRF1):c.610C>G (p.Pro204Ala)

Gene: ZGRF1 (zinc finger GRF-type containing 1; minus strand). Cytogenetic location: 4q25.
Variant type: single nucleotide variant.
Coding change: c.610C>G on transcript NM_018392.5 (MANE Select); coding-DNA position 610, C replaced by G.
Protein change: p.Pro204Ala; replaces proline 204 with alanine.
Molecular consequence: missense variant.
Genome position (GRCh38, 1-based): chr4:112,619,432, G>C on the plus strand (C>G on the coding strand, the complement: ZGRF1 is on the minus strand). VCF-style: chr4-112619432-G-C. GRCh37 (hg19) VCF-style: chr4-113540588-G-C.
Other names: c.610C>G, p.Pro204Ala (NM_001350397.2); short protein forms P204A.
Identifiers: ClinVar variation 3338569 (VCV003338569.1).

ClinVar aggregate classification (germline): Uncertain significance (1 of 4 stars; one submission).

gnomAD v4.1: 3 of 1,612,650 alleles (0.00019%); highest among the groups gnomAD compares: Non-Finnish European, 0.00025%; no homozygotes.

Submission:

Greenwood Genetic Center Diagnostic Laboratories, Greenwood Genetic Center
Classification: Uncertain significance. Last evaluated: 2024-04-08. Review status: criteria provided, single submitter. Criteria: ACMG Guidelines, 2015. Collection method: clinical testing. Allele origin: germline. Affected: yes.
Comment: Gene of Uncertain Significance